The following is an entry in ClinVar:

ClinVar aggregate classification (germline): Benign (1 of 4 stars; one submission).

Allele frequency attached by ClinVar (database versions not stated): TOPMed 0.42303; 1000 Genomes Project 30x 0.42567; gnomAD 0.42847 and 0.42864; 1000 Genomes Project 0.43431.
gnomAD v4.1: 65,215 of 151,952 alleles (43%); highest among the groups gnomAD compares: East Asian, 59%; 14,239 homozygotes.

Submission:

GeneDx
Classification: Benign. Last evaluated: 2018-06-14. Review status: criteria provided, single submitter. Criteria: GeneDx Variant Classification (06012015). Collection method: clinical testing. Allele origin: germline. Affected: yes.
Comment: This variant is considered likely benign or benign based on one or more of the following criteria: it is a conservative change, it occurs at a poorly conserved position in the protein, it is predicted to be benign by multiple in silico algorithms, and/or has population frequency not consistent with disease.

NM_007347.5(AP4E1):c.1176+206A>G

Gene: AP4E1 (adaptor related protein complex 4 subunit epsilon 1; plus strand). Cytogenetic location: 15q21.2.
Variant type: single nucleotide variant.
Coding change: c.1176+206A>G on transcript NM_007347.5 (MANE Select); 206 bases into the intron after coding-DNA position 1176, A replaced by G.
Molecular consequence: intron variant.
Genome position (GRCh38, 1-based): chr15:50,941,981, A>G. VCF-style: chr15-50941981-A-G. GRCh37 (hg19) VCF-style: chr15-51234178-A-G.
Other names: c.951+206A>G (NM_001252127.2).
Identifiers: ClinVar variation 678003 (VCV000678003.1), dbSNP rs12916407, ClinGen allele CA14144464.